The following is an entry in ClinVar:

ClinVar aggregate classification (germline): Conflicting classifications of pathogenicity. Review status: criteria provided, conflicting classifications (1 of 4 stars). 4 submissions from 4 submitters: Uncertain significance (2); Likely benign (2). Last evaluated 2024-11-19.

Allele frequency attached by ClinVar (database versions not stated): ESP Exome Variant Server 0.00008; gnomAD exomes 0.00016 and 0.00027; ExAC 0.00017; TOPMed 0.00020; gnomAD 0.00021.
gnomAD v4.1: 419 of 1,614,076 alleles (0.026%); highest among the groups gnomAD compares: Non-Finnish European, 0.031%; no homozygotes.

Submissions (4):

Blueprint Genetics
Classification: Likely benign. Last evaluated: 2024-11-19. Review status: criteria provided, single submitter. Criteria: ACMG Guidelines, 2015. Collection method: clinical testing. Allele origin: germline.

Labcorp Genetics (formerly Invitae), Labcorp
Classification: Uncertain significance. Last evaluated: 2022-08-22. Review status: criteria provided, single submitter. Criteria: Invitae Variant Classification Sherloc (09022015). Collection method: clinical testing. Allele origin: germline.
Comment: This sequence change replaces threonine, which is neutral and polar, with methionine, which is neutral and non-polar, at codon 334 of the IL2RB protein (p.Thr334Met). This variant is present in population databases (rs146173891, gnomAD 0.03%). This variant has not been reported in the literature in individuals affected with IL2RB-related conditions. ClinVar contains an entry for this variant (Variation ID: 1419607). Algorithms developed to predict the effect of missense changes on protein structure and function output the following: SIFT: "Tolerated"; PolyPhen-2: "Benign"; Align-GVGD: "Class C0". The methionine amino acid residue is found in multiple mammalian species, which suggests that this missense change does not adversely affect protein function. In summary, the available evidence is currently insufficient to determine the role of this variant in disease. Therefore, it has been classified as a Variant of Uncertain Significance.

CeGaT Center for Human Genetics Tuebingen
Classification: Likely benign. Last evaluated: 2022-04-01. Review status: criteria provided, single submitter. Criteria: CeGaT Center For Human Genetics Tuebingen Variant Classification Criteria Version 2. Collection method: clinical testing. Allele origin: germline. Affected: yes. Observed: 1 variant allele.
Comment: IL2RB: BP4

Ambry Genetics
Classification: Uncertain significance. Last evaluated: 2021-10-26. Review status: criteria provided, single submitter. Criteria: Ambry Variant Classification Scheme 2023. Collection method: clinical testing. Allele origin: germline.

NM_000878.5(IL2RB):c.1001C>T (p.Thr334Met)

Gene: IL2RB (interleukin 2 receptor subunit beta; minus strand). Cytogenetic location: 22q12.3.
Variant type: single nucleotide variant.
Coding change: c.1001C>T on transcript NM_000878.5 (MANE Select); coding-DNA position 1001, C replaced by T.
Protein change: p.Thr334Met; replaces threonine 334 with methionine.
Molecular consequence: missense variant.
Genome position (GRCh38, 1-based): chr22:37,128,751, G>A on the plus strand (C>T on the coding strand, the complement: IL2RB is on the minus strand). VCF-style: chr22-37128751-G-A. GRCh37 (hg19) VCF-style: chr22-37524791-G-A.
Other names: c.1001C>T (NM_000878.2); c.1001C>T, p.Thr334Met (NM_001346222.1, NM_001346223.2); short protein forms T334M.
Identifiers: ClinVar variation 1419607 (VCV001419607.35), dbSNP rs146173891, ClinGen allele CA10216445.
Genomic context (GRCh38, chr22:37,128,751, plus strand): 5'-GAGTGGTTGCTGCTTAAGGATGCGGGCTCAGGCACCTTGTCCTGCTGCAGGAGCAGCTGC[G>A]TCACCTTGTCCCTCTCCAGCACTTCTAGTGGCGAGATCTCAGGTGCCAGGCCGCCAGGGC-3'
Protein context (NP_000869.1, residues 324-344): PLEVLERDKV[Thr334Met]QLLLQQDKVP